The following is an entry in ClinVar:

ClinVar aggregate classification (germline): Uncertain significance (1 of 4 stars; one submission).

gnomAD v4.1: 4 of 1,613,466 alleles (0.00025%); highest among the groups gnomAD compares: African/African-American, 0.004%; no homozygotes.

Submission:

Labcorp Genetics (formerly Invitae), Labcorp
Classification: Uncertain significance. Last evaluated: 2025-11-18. Review status: criteria provided, single submitter. Criteria: Invitae Variant Classification Sherloc (09022015). Collection method: clinical testing. Allele origin: germline.
Comment: This sequence change replaces serine, which is neutral and polar, with asparagine, which is neutral and polar, at codon 167 of the ARIH1 protein (p.Ser167Asn). This variant is present in population databases (rs769334669, gnomAD 0.01%). This variant has not been reported in the literature in individuals affected with ARIH1-related conditions. An algorithm developed to predict the effect of missense changes on protein structure and function (PolyPhen-2) suggests that this variant is likely to be tolerated. In summary, the available evidence is currently insufficient to determine the role of this variant in disease. Therefore, it has been classified as a Variant of Uncertain Significance.

NM_005744.5(ARIH1):c.500G>A (p.Ser167Asn)

Gene: ARIH1 (ariadne RBR E3 ubiquitin protein ligase 1; plus strand). Cytogenetic location: 15q24.1.
Variant type: single nucleotide variant.
Coding change: c.500G>A on transcript NM_005744.5 (MANE Select); coding-DNA position 500, G replaced by A.
Protein change: p.Ser167Asn; replaces serine 167 with asparagine.
Molecular consequence: missense variant.
Genome position (GRCh38, 1-based): chr15:72,544,876, G>A. VCF-style: chr15-72544876-G-A. GRCh37 (hg19) VCF-style: chr15-72837217-G-A.
Other names: short protein forms S167N.
Identifiers: ClinVar variation 4772657 (VCV004772657.1).
Genomic context (GRCh38, chr15:72,544,876, plus strand): 5'-GCAGGTACTTTGATGGAAACCTGGAGAAGCTCTTTGCTGAGTGTCATGTAATTAATCCAA[G>A]TAAAAAGTCTCGAACACGCCAGATGAATACAAGGTCATCAGCACAGGATATGCCTTGTCA-3'
Protein context (NP_005735.2, residues 157-177): LFAECHVINP[Ser167Asn]KKSRTRQMNT